The following continues an entry in ClinVar:

NM_003280.3(TNNC1):c.23C>T (p.Ala8Val)

Gene: TNNC1. ClinVar aggregate classification (germline): Conflicting classifications of pathogenicity. Pathogenic (6); Likely pathogenic (9); Uncertain significance (1).

Submissions 9 to 19 of 19:

Baylor Genetics
Classification: Pathogenic for Dilated cardiomyopathy 1Z. Last evaluated: 2022-06-28. Review status: criteria provided, single submitter. Criteria: ACMG Guidelines, 2015. Collection method: clinical testing. Allele origin: unknown.

Baylor Genetics
Classification: Pathogenic for Hypertrophic cardiomyopathy 13. Last evaluated: 2022-06-28. Review status: criteria provided, single submitter. Criteria: ACMG Guidelines, 2015. Collection method: clinical testing. Allele origin: unknown.

Fulgent Genetics
Classification: Likely pathogenic for Dilated cardiomyopathy 1Z; Hypertrophic cardiomyopathy 13. Last evaluated: 2021-08-23. Review status: criteria provided, single submitter. Criteria: ACMG Guidelines, 2015. Collection method: clinical testing. Allele origin: unknown.

CHEO Genetics Diagnostic Laboratory, Children's Hospital of Eastern Ontario
Classification: Likely pathogenic for Cardiomyopathy. Last evaluated: 2019-10-10. Review status: criteria provided, single submitter. Criteria: ACMG Guidelines, 2015. Collection method: clinical testing. Allele origin: germline.

Laboratory for Molecular Medicine, Mass General Brigham Personalized Medicine
Classification: Likely pathogenic for Hypertrophic cardiomyopathy. Last evaluated: 2018-03-16. Review status: criteria provided, single submitter. Criteria: LMM Criteria. Collection method: clinical testing. Allele origin: germline. Observed: 2 variant alleles.
Comment: proposed classification - variant undergoing re-assessment, contact laboratory

Stanford Center for Inherited Cardiovascular Disease, Stanford University
Classification: Uncertain significance. Last evaluated: 2015-01-21. Review status: criteria provided, single submitter. Criteria: ACMG Guidelines, 2015. Collection method: provider interpretation. Allele origin: germline.

Clinical Genetics Service, Universitary Hospital 12 de Octubre
Classification: Pathogenic for Hypertrophic cardiomyopathy 13. Review status: criteria provided, single submitter. Criteria: ACMG Guidelines, 2015. Collection method: clinical testing. Allele origin: germline. Affected: yes.

Juno Genomics, Hangzhou Juno Genomics, Inc
Classification: Likely pathogenic for Dilated cardiomyopathy 1Z; Hypertrophic cardiomyopathy 13. Review status: criteria provided, single submitter. Criteria: ACMG Guidelines, 2015. Collection method: clinical testing. Allele origin: germline.
Comment: Absent from controls (or at extremely low frequency if recessive) in Genome Aggregation Database.;The prevalence of the variant in affected individuals is significantly increased compared to the prevalence in controls.;Patient's phenotype or family history is highly specific for a disease with a single genetic etiology.;Well-established in vitro or in vivo functional studies supportive of a damaging effect on the gene or gene product.

OMIM
Classification: Pathogenic for CARDIOMYOPATHY, FAMILIAL HYPERTROPHIC, 13. Last evaluated: 2008-08-01. Review status: no assertion criteria provided. Collection method: literature only. Allele origin: germline. Not counted in ClinVar's aggregate classification.

Clinical Genetics, Academic Medical Center
Classification: Likely pathogenic. Review status: no assertion criteria provided. Collection method: clinical testing. Allele origin: germline. Affected: yes. Study: VKGL Data-share Consensus. Not counted in ClinVar's aggregate classification.

Joint Genome Diagnostic Labs from Nijmegen and Maastricht, Radboudumc and MUMC+
Classification: Pathogenic. Review status: no assertion criteria provided. Collection method: clinical testing. Allele origin: germline. Affected: yes. Study: VKGL Data-share Consensus. Not counted in ClinVar's aggregate classification.

Literature cited by the submitters: PubMed 18572189 (cited by 6 submitters); PubMed 27574918 (cited by Labcorp Genetics (formerly Invitae), Labcorp); PubMed 30775854 (cited by 3 submitters); PubMed 30847666 (cited by 3 submitters); PubMed 33658040 (cited by Labcorp Genetics (formerly Invitae), Labcorp and Ambry Genetics); PubMed 19439414 (cited by 3 submitters); PubMed 20459070 (cited by 3 submitters); PubMed 21056975 (cited by 3 submitters); PubMed 22489623 (cited by 3 submitters); PubMed 23425245 (cited by 3 submitters); PubMed 26304555 (cited by 4 submitters); PubMed 24744096 (cited by Ambry Genetics); PubMed 26529187 (cited by Ambry Genetics); PubMed 26779504 (cited by Ambry Genetics and Women's Health and Genetics/Laboratory Corporation of America, LabCorp); PubMed 26976709 (cited by Ambry Genetics and Laboratory for Molecular Medicine, Mass General Brigham Personalized Medicine); PubMed 27604170 (cited by 3 submitters); PubMed 27721798 (cited by Ambry Genetics); PubMed 28445763 (cited by Ambry Genetics); PubMed 28533433 (cited by Ambry Genetics and Laboratory for Molecular Medicine, Mass General Brigham Personalized Medicine); PubMed 28771489 (cited by Ambry Genetics and Women's Health and Genetics/Laboratory Corporation of America, LabCorp); PubMed 30070845 (cited by Ambry Genetics); PubMed 30138628 (cited by Ambry Genetics); PubMed 33407484 (cited by Ambry Genetics); PubMed 35769956 (cited by Ambry Genetics); PubMed 39248034 (cited by Ambry Genetics); PubMed 24793961 (cited by Women's Health and Genetics/Laboratory Corporation of America, LabCorp); PubMed 28473771 (cited by Laboratory for Molecular Medicine, Mass General Brigham Personalized Medicine).